The following is an entry in ClinVar:

NM_003640.5(ELP1):c.1750G>A (p.Glu584Lys)

Gene: ELP1 (elongator acetyltransferase complex subunit 1; minus strand). Cytogenetic location: 9q31.3.
Variant type: single nucleotide variant.
Coding change: c.1750G>A on transcript NM_003640.5 (MANE Select); coding-DNA position 1750, G replaced by A.
Protein change: p.Glu584Lys; replaces glutamic acid 584 with lysine.
Molecular consequence: missense variant.
Genome position (GRCh38, 1-based): chr9:108,903,563, C>T on the plus strand (G>A on the coding strand, the complement: ELP1 is on the minus strand). VCF-style: chr9-108903563-C-T. GRCh37 (hg19) VCF-style: chr9-111665843-C-T.
Other names: c.1408G>A, p.Glu470Lys (NM_001318360.2); c.703G>A, p.Glu235Lys (NM_001330749.2); short protein forms E235K, E584K, E470K.
Identifiers: ClinVar variation 843047 (VCV000843047.10), dbSNP rs1828896602, ClinGen allele CA374425895.
Genomic context (GRCh38, chr9:108,903,563, plus strand): 5'-TCTTAAGAACTAAGCATCTATGTAAGTCATAACATGCTTTCCTAACACCTTGATACTCAC[C>T]CCAAAGGTACTTAAATATCTGGCCATCAGCCAGCTGTAATACTACTGACTTGGTCTTGGA-3'
Protein context (NP_003631.2, residues 574-594): ADGQIFKYLW[Glu584Lys]SPSLAIKPWK

ClinVar aggregate classification (germline): Uncertain significance. Review status: criteria provided, single submitter (1 of 4 stars). 2 submissions from 2 submitters: Uncertain significance (1). 1 of the submissions does not count toward it. Last evaluated 2019-02-13.

Conditions:
Familial dysautonomia. Also called: HSAN III; FD. Identifiers: Orphanet 1764, MedGen C0013364, MONDO:0009131, OMIM 223900. Disease mechanism: loss of function.

Allele frequency attached by ClinVar (database versions not stated): gnomAD exomes below 0.00001.
gnomAD v4.1: 1 of 1,602,546 alleles (0.000062%); highest among the groups gnomAD compares: Non-Finnish European, 0.000085%; no homozygotes.

Submissions (2):

Labcorp Genetics (formerly Invitae), Labcorp
Classification: Uncertain significance. Last evaluated: 2019-02-13. Review status: criteria provided, single submitter. Criteria: Invitae Variant Classification Sherloc (09022015). Collection method: clinical testing. Allele origin: germline.
Comment: This sequence change replaces glutamic acid with lysine at codon 584 of the ELP1 protein (p.Glu584Lys). The glutamic acid residue is moderately conserved and there is a small physicochemical difference between glutamic acid and lysine. This variant also falls at the last nucleotide of exon 15 of the ELP1 coding sequence, which is part of the consensus splice site for this exon. In summary, the available evidence is currently insufficient to determine the role of this variant in disease. Therefore, it has been classified as a Variant of Uncertain Significance. Nucleotide substitutions within the consensus splice site are a relatively common cause of aberrant splicing (PMID: 17576681, 9536098). Algorithms developed to predict the effect of sequence changes on RNA splicing suggest that this variant may disrupt the consensus splice site, but this prediction has not been confirmed by published transcriptional studies. Algorithms developed to predict the effect of missense changes on protein structure and function are either unavailable or do not agree on the potential impact of this missense change (SIFT: "Tolerated"; PolyPhen-2: "Possibly Damaging"; Align-GVGD: "Class C0"). This variant has not been reported in the literature in individuals with ELP1-related conditions. This variant is not present in population databases (ExAC no frequency).

Natera, Inc.
Classification: Uncertain significance for Familial dysautonomia. Last evaluated: 2020-12-02. Review status: no assertion criteria provided. Collection method: clinical testing. Allele origin: germline. Not counted in ClinVar's aggregate classification.

Literature cited by the submitters: PubMed 17576681 (cited by Labcorp Genetics (formerly Invitae), Labcorp); PubMed 9536098 (cited by Labcorp Genetics (formerly Invitae), Labcorp).